The following is an entry in ClinVar:

NM_006904.7(PRKDC):c.914A>C (p.Asn305Thr)

Gene: PRKDC (protein kinase, DNA-activated, catalytic subunit; minus strand). Cytogenetic location: 8q11.21.
Variant type: single nucleotide variant.
Coding change: c.914A>C on transcript NM_006904.7 (MANE Select); coding-DNA position 914, A replaced by C.
Protein change: p.Asn305Thr; replaces asparagine 305 with threonine.
Molecular consequence: missense variant.
Genome position (GRCh38, 1-based): chr8:47,943,261, T>G on the plus strand (A>C on the coding strand, the complement: PRKDC is on the minus strand). VCF-style: chr8-47943261-T-G. GRCh37 (hg19) VCF-style: chr8-48855821-T-G.
Other names: c.914A>C, p.Asn305Thr (NM_001081640.2); short protein forms N305T.
Identifiers: ClinVar variation 3310115 (VCV003310115.1).

ClinVar aggregate classification (germline): Uncertain significance (1 of 4 stars; one submission).

Submission:

Ambry Genetics
Classification: Uncertain significance. Last evaluated: 2024-04-14. Review status: criteria provided, single submitter. Criteria: Ambry Variant Classification Scheme 2023. Collection method: clinical testing. Allele origin: germline.
Comment: The p.N305T variant (also known as c.914A>C), located in coding exon 10 of the PRKDC gene, results from an A to C substitution at nucleotide position 914. The asparagine at codon 305 is replaced by threonine, an amino acid with similar properties. This amino acid position is conserved. In addition, this alteration is predicted to be tolerated by in silico analysis. Based on the available evidence, the clinical significance of this variant remains unclear.